The following is an entry in ClinVar:

ClinVar aggregate classification (germline): Uncertain significance (1 of 4 stars; one submission).

Conditions:
Familial thoracic aortic aneurysm and aortic dissection (TAAD). Also called: Thoracic aortic aneurysms and dissections. Identifiers: Orphanet 91387, MedGen C4707243, MONDO:0019625.

Submission:

Color Diagnostics, LLC DBA Color Health
Classification: Uncertain significance for Familial thoracic aortic aneurysm and aortic dissection. Last evaluated: 2024-03-07. Review status: criteria provided, single submitter. Criteria: ACMG Guidelines, 2015. Collection method: clinical testing. Allele origin: germline.
Comment: This missense variant replaces tyrosine with phenylalanine at codon 117 of the MYH11 protein. Computational prediction suggests that this variant may have deleterious impact on protein structure and function (internally defined REVEL score threshold >= 0.7, PMID: 27666373). To our knowledge, functional studies have not been reported for this variant. This variant has not been reported in individuals affected with cardiovascular disorders in the literature. This variant has not been identified in the general population by the Genome Aggregation Database (gnomAD). The available evidence is insufficient to determine the role of this variant in disease conclusively. Therefore, this variant is classified as a Variant of Uncertain Significance.

NM_002474.3(MYH11):c.350A>T (p.Tyr117Phe)

Gene: MYH11 (myosin heavy chain 11; minus strand). Cytogenetic location: 16p13.11.
Variant type: single nucleotide variant.
Coding change: c.350A>T on transcript NM_002474.3 (MANE Select); coding-DNA position 350, A replaced by T.
Protein change: p.Tyr117Phe; replaces tyrosine 117 with phenylalanine.
Molecular consequence: missense variant.
Genome position (GRCh38, 1-based): chr16:15,823,407, T>A on the plus strand (A>T on the coding strand, the complement: MYH11 is on the minus strand). VCF-style: chr16-15823407-T-A. GRCh37 (hg19) VCF-style: chr16-15917264-T-A.
Other names: c.350A>T, p.Tyr117Phe (NM_001040113.2, NM_001040114.2, NM_022844.3); short protein forms Y117F.
Identifiers: ClinVar variation 1332388 (VCV001332388.3), dbSNP rs2151359917, ClinGen allele CA394882907.
Genomic context (GRCh38, chr16:15,823,407, plus strand): 5'-TTCTCCGAGTAGATGGGCAGGTGTTTATAGGGGTTGACCACCACGCAGAAGAGGCCAGAG[T>A]ACGTCTGCAGACAGAGAACCCAGCTTACTTCCAGACCTCCTCCAGGGTAGACAGATTGCA-3'
Protein context (NP_002465.1, residues 107-127): ERYFSGLIYT[Tyr117Phe]SGLFCVVVNP